The following is an entry in ClinVar:

ClinVar aggregate classification (germline): Uncertain significance (1 of 4 stars; one submission).

Conditions:
Charcot-Marie-Tooth disease axonal type 2C (HMSN2C). Also called: CHARCOT-MARIE-TOOTH DISEASE, AXONAL, AUTOSOMAL DOMINANT, TYPE 2C; Charcot-Marie-Tooth Neuropathy Type 2C; Charcot-Marie-Tooth Disease Type 2, TRPV4-Related (CMT2C). Identifiers: Orphanet 99937, MedGen C1853710, MONDO:0011633, OMIM 606071.

gnomAD v4.1: 1 of 1,614,162 alleles (0.000062%); highest among the groups gnomAD compares: East Asian, 0.0022%; no homozygotes.

Submission:

Labcorp Genetics (formerly Invitae), Labcorp
Classification: Uncertain significance for Charcot-Marie-Tooth disease axonal type 2C. Last evaluated: 2024-06-08. Review status: criteria provided, single submitter. Criteria: Invitae Variant Classification Sherloc (09022015). Collection method: clinical testing. Allele origin: germline.
Comment: This sequence change replaces methionine, which is neutral and non-polar, with valine, which is neutral and non-polar, at codon 685 of the TRPV4 protein (p.Met685Val). This variant is not present in population databases (gnomAD no frequency). This variant has not been reported in the literature in individuals affected with TRPV4-related conditions. Advanced modeling of protein sequence and biophysical properties (such as structural, functional, and spatial information, amino acid conservation, physicochemical variation, residue mobility, and thermodynamic stability) performed at Invitae indicates that this missense variant is not expected to disrupt TRPV4 protein function with a negative predictive value of 95%. In summary, the available evidence is currently insufficient to determine the role of this variant in disease. Therefore, it has been classified as a Variant of Uncertain Significance.

NM_021625.5(TRPV4):c.2053A>G (p.Met685Val)

Gene: TRPV4 (transient receptor potential cation channel subfamily V member 4; minus strand). Cytogenetic location: 12q24.11.
Variant type: single nucleotide variant.
Coding change: c.2053A>G on transcript NM_021625.5 (MANE Select); coding-DNA position 2053, A replaced by G.
Protein change: p.Met685Val; replaces methionine 685 with valine.
Molecular consequence: missense variant.
Genome position (GRCh38, 1-based): chr12:109,788,555, T>C on the plus strand (A>G on the coding strand, the complement: TRPV4 is on the minus strand). VCF-style: chr12-109788555-T-C. GRCh37 (hg19) VCF-style: chr12-110226360-T-C.
Other names: c.1732A>G, p.Met578Val (NM_001177433.2); c.1873A>G, p.Met625Val (NM_147204.3); c.1912A>G, p.Met638Val (NM_001177428.2); c.1951A>G, p.Met651Val (NM_001177431.2); short protein forms M625V, M685V, M578V, M638V, M651V.
Identifiers: ClinVar variation 3667492 (VCV003667492.2).